The following is an entry in ClinVar:

ClinVar aggregate classification (germline): Uncertain significance. Review status: criteria provided, multiple submitters, no conflicts (2 of 4 stars). 2 submissions from 2 submitters: Uncertain significance (2). Last evaluated 2025-12-22.

Conditions:
Inborn genetic diseases. Identifiers: MedGen C0950123, MeSH D030342.

Allele frequency attached by ClinVar (database versions not stated): gnomAD exomes 0.00001.
gnomAD v4.1: 10 of 1,209,658 alleles (0.00083%); highest among the groups gnomAD compares: Non-Finnish European, 0.0011%; no homozygotes.

Submissions (2):

Labcorp Genetics (formerly Invitae), Labcorp
Classification: Uncertain significance. Last evaluated: 2025-12-22. Review status: criteria provided, single submitter. Criteria: Invitae Variant Classification Sherloc (09022015). Collection method: clinical testing. Allele origin: germline.
Comment: This sequence change replaces arginine, which is basic and polar, with cysteine, which is neutral and slightly polar, at codon 1295 of the AFF2 protein (p.Arg1295Cys). The frequency data for this variant in the population databases is considered unreliable, as metrics indicate poor data quality at this position in the gnomAD database. This variant has not been reported in the literature in individuals affected with AFF2-related conditions. ClinVar contains an entry for this variant (Variation ID: 2232031). An algorithm developed to predict the effect of missense changes on protein structure and function (PolyPhen-2) suggests that this variant is likely to be disruptive. In summary, the available evidence is currently insufficient to determine the role of this variant in disease. Therefore, it has been classified as a Variant of Uncertain Significance.

Ambry Genetics
Classification: Uncertain significance for Inborn genetic diseases. Last evaluated: 2022-11-16. Review status: criteria provided, single submitter. Criteria: Ambry Variant Classification Scheme 2023. Collection method: clinical testing. Allele origin: germline.
Comment: The c.3883C>T (p.R1295C) alteration is located in exon 21 (coding exon 21) of the AFF2 gene. This alteration results from a C to T substitution at nucleotide position 3883, causing the arginine (R) at amino acid position 1295 to be replaced by a cysteine (C). Based on data from gnomAD, the T allele has an overall frequency of 0.001% (1/180436) total alleles studied, with 1 hemizygote observed. The highest observed frequency was 0.001% (1/80819) of European (non-Finnish) alleles. This amino acid position is highly conserved in available vertebrate species. This alteration is predicted to be deleterious by in silico analysis. Based on insufficient or conflicting evidence, the clinical significance of this alteration remains unclear.

NM_002025.4(AFF2):c.3883C>T (p.Arg1295Cys)

Gene: AFF2 (ALF transcription elongation factor 2; plus strand). Cytogenetic location: Xq28.
Variant type: single nucleotide variant.
Coding change: c.3883C>T on transcript NM_002025.4 (MANE Select); coding-DNA position 3883, C replaced by T.
Protein change: p.Arg1295Cys; replaces arginine 1295 with cysteine.
Molecular consequence: missense variant.
Genome position (GRCh38, 1-based): chrX:148,991,279, C>T. VCF-style: chrX-148991279-C-T. GRCh37 (hg19) VCF-style: chrX-148072809-C-T.
Other names: c.3778C>T, p.Arg1260Cys (NM_001169122.2, NM_001169124.2); c.3853C>T, p.Arg1285Cys (NM_001169123.2); c.3766C>T, p.Arg1256Cys (NM_001169125.2); c.2806C>T, p.Arg936Cys (NM_001170628.1); short protein forms R1256C, R1260C, R1285C, R1295C, R936C.
Identifiers: ClinVar variation 2232031 (VCV002232031.3), dbSNP rs1557292233, ClinGen allele CA414517266.